The following is an entry in ClinVar:

NM_002470.4(MYH3):c.2384G>C (p.Gly795Ala)

Gene: MYH3 (myosin heavy chain 3; minus strand). Cytogenetic location: 17p13.1.
Variant type: single nucleotide variant.
Coding change: c.2384G>C on transcript NM_002470.4 (MANE Select); coding-DNA position 2384, G replaced by C.
Protein change: p.Gly795Ala; replaces glycine 795 with alanine.
Molecular consequence: missense variant.
Genome position (GRCh38, 1-based): chr17:10,640,375, C>G on the plus strand (G>C on the coding strand, the complement: MYH3 is on the minus strand). VCF-style: chr17-10640375-C-G. GRCh37 (hg19) VCF-style: chr17-10543692-C-G.
Other names: short protein forms G795A.
Identifiers: ClinVar variation 1489667 (VCV001489667.6), dbSNP rs370795501, ClinGen allele CA8392777.

ClinVar aggregate classification (germline): Uncertain significance (1 of 4 stars; one submission).

Allele frequency attached by ClinVar (database versions not stated): TOPMed 0.00004; ExAC 0.00006; ESP Exome Variant Server 0.00015; gnomAD 0.00003 and 0.00004.
gnomAD v4.1: 52 of 1,614,102 alleles (0.0032%); highest among the groups gnomAD compares: Admixed American, 0.0067%; no homozygotes.

Submission:

Labcorp Genetics (formerly Invitae), Labcorp
Classification: Uncertain significance. Last evaluated: 2025-08-30. Review status: criteria provided, single submitter. Criteria: Invitae Variant Classification Sherloc (09022015). Collection method: clinical testing. Allele origin: germline.
Comment: This sequence change replaces glycine, which is neutral and non-polar, with alanine, which is neutral and non-polar, at codon 795 of the MYH3 protein (p.Gly795Ala). This variant is present in population databases (rs370795501, gnomAD 0.009%). This variant has not been reported in the literature in individuals affected with MYH3-related conditions. ClinVar contains an entry for this variant (Variation ID: 1489667). Invitae Evidence Modeling of protein sequence and biophysical properties (such as structural, functional, and spatial information, amino acid conservation, physicochemical variation, residue mobility, and thermodynamic stability) indicates that this missense variant is not expected to disrupt MYH3 protein function with a negative predictive value of 95%. In summary, the available evidence is currently insufficient to determine the role of this variant in disease. Therefore, it has been classified as a Variant of Uncertain Significance.